The following is an entry in ClinVar:

NM_006947.4(SRP72):c.512T>C (p.Leu171Pro)

Gene: SRP72 (signal recognition particle 72; plus strand). Cytogenetic location: 4q12.
Variant type: single nucleotide variant.
Coding change: c.512T>C on transcript NM_006947.4 (MANE Select); coding-DNA position 512, T replaced by C.
Protein change: p.Leu171Pro; replaces leucine 171 with proline.
Molecular consequence: missense variant. On other transcripts: non-coding transcript variant (1).
Genome position (GRCh38, 1-based): chr4:56,474,293, T>C. VCF-style: chr4-56474293-T-C. GRCh37 (hg19) VCF-style: chr4-57340459-T-C.
Other names: c.512T>C, p.Leu171Pro (NM_001267722.2); short protein forms L171P.
Identifiers: ClinVar variation 3962081 (VCV003962081.1).

ClinVar aggregate classification (germline): Uncertain significance (1 of 4 stars; one submission).

Submission:

Ambry Genetics
Classification: Uncertain significance. Last evaluated: 2025-04-21. Review status: criteria provided, single submitter. Criteria: Ambry Variant Classification Scheme 2023. Collection method: clinical testing. Allele origin: germline.
Comment: The p.L171P variant (also known as c.512T>C), located in coding exon 5 of the SRP72 gene, results from a T to C substitution at nucleotide position 512. The leucine at codon 171 is replaced by proline, an amino acid with similar properties. This amino acid position is conserved. In addition, the in silico prediction for this alteration is inconclusive. Based on the available evidence, the clinical significance of this variant remains unclear.